The following is an entry in ClinVar:

ClinVar aggregate classification (germline): Uncertain significance. Review status: criteria provided, multiple submitters, no conflicts (2 of 4 stars). 2 submissions from 2 submitters: Uncertain significance (2). Last evaluated 2024-03-07.

Conditions:
Familial thoracic aortic aneurysm and aortic dissection (TAAD). Also called: Thoracic aortic aneurysms and dissections. Identifiers: Orphanet 91387, MedGen C4707243, MONDO:0019625.

Allele frequency attached by ClinVar (database versions not stated): TOPMed below 0.00001.
gnomAD v4.1: 1 of 1,614,132 alleles (0.000062%); no homozygotes.

Submissions (2):

Color Diagnostics, LLC DBA Color Health
Classification: Uncertain significance for Familial thoracic aortic aneurysm and aortic dissection. Last evaluated: 2024-03-07. Review status: criteria provided, single submitter. Criteria: ACMG Guidelines, 2015. Collection method: clinical testing. Allele origin: germline.
Comment: This missense variant replaces alanine with serine at codon 47 of the MYH11 protein. Computational prediction suggests that this variant may not impact protein structure and function (internally defined REVEL score threshold <= 0.5, PMID: 27666373). To our knowledge, functional studies have not been reported for this variant. This variant has not been reported in individuals affected with cardiovascular disorders in the literature. This variant has not been identified in the general population by the Genome Aggregation Database (gnomAD). The available evidence is insufficient to determine the role of this variant in disease conclusively. Therefore, this variant is classified as a Variant of Uncertain Significance.

All of Us Research Program, National Institutes of Health
Classification: Uncertain significance for Familial thoracic aortic aneurysm and aortic dissection. Last evaluated: 2023-07-19. Review status: criteria provided, single submitter. Criteria: ACMG Guidelines, 2015. Collection method: clinical testing. Allele origin: germline. Inheritance: Autosomal dominant inheritance. Observed: 1 variant allele, 1 heterozygote.
Comment: This missense variant replaces alanine with serine at codon 47 of the MYH11 protein. Computational prediction suggests that this variant may not impact protein structure and function (internally defined REVEL score threshold <= 0.5, PMID: 27666373). To our knowledge, functional studies have not been reported for this variant. This variant has not been reported in individuals affected with cardiovascular disorders in the literature. This variant has not been identified in the general population by the Genome Aggregation Database (gnomAD). The available evidence is insufficient to determine the role of this variant in disease conclusively. Therefore, this variant is classified as a Variant of Uncertain Significance.

This study involves interpretation of variants in research participants for the purpose of population health screening. Participant phenotype was not available at the time of variant classification. Additional details can be found in publication PMID: 35346344, PMCID: PMC8962531

NM_002474.3(MYH11):c.139G>T (p.Ala47Ser)

Gene: MYH11 (myosin heavy chain 11; minus strand). Cytogenetic location: 16p13.11.
Variant type: single nucleotide variant.
Coding change: c.139G>T on transcript NM_002474.3 (MANE Select); coding-DNA position 139, G replaced by T.
Protein change: p.Ala47Ser; replaces alanine 47 with serine.
Molecular consequence: missense variant.
Genome position (GRCh38, 1-based): chr16:15,838,114, C>A on the plus strand (G>T on the coding strand, the complement: MYH11 is on the minus strand). VCF-style: chr16-15838114-C-A. GRCh37 (hg19) VCF-style: chr16-15931971-C-A.
Other names: c.139G>T, p.Ala47Ser (NM_001040113.2, NM_001040114.2, NM_022844.3); short protein forms A47S.
Identifiers: ClinVar variation 2773883 (VCV002773883.3), dbSNP rs2043952602, ClinGen allele CA395198592.